The following is an entry in ClinVar:

NM_000548.5(TSC2):c.4623C>T (p.Asp1541=)

Gene: TSC2 (TSC complex subunit 2; plus strand). Cytogenetic location: 16p13.3.
Variant type: single nucleotide variant.
Coding change: c.4623C>T on transcript NM_000548.5 (MANE Select); coding-DNA position 4623, C replaced by T.
Protein change: p.Asp1541=; no amino-acid change (aspartic acid 1541 retained).
Molecular consequence: synonymous variant.
Genome position (GRCh38, 1-based): chr16:2,085,283, C>T. VCF-style: chr16-2085283-C-T. GRCh37 (hg19) VCF-style: chr16-2135284-C-T.
Other names: c.4422C>T, p.Asp1474= (NM_001077183.3); c.4554C>T, p.Asp1518= (NM_001114382.3); c.4314C>T, p.Asp1438= (NM_001318827.2); c.4278C>T, p.Asp1426= (NM_001318829.2); c.3891C>T, p.Asp1297= (NM_001318831.2); c.4455C>T, p.Asp1485= (NM_001318832.2); c.4425C>T, p.Asp1475= (NM_001363528.2); c.4491C>T, p.Asp1497= (NM_001370404.1); and 1 more.
Identifiers: ClinVar variation 468106 (VCV000468106.14), dbSNP rs1555515315, ClinGen allele CA492958371.

ClinVar aggregate classification (germline): Benign/Likely benign. Review status: criteria provided, multiple submitters, no conflicts (2 of 4 stars). 3 submissions from 3 submitters: Benign (1); Likely benign (2). Last evaluated 2025-09-08.

Conditions:
Hereditary cancer-predisposing syndrome. Also called: Hereditary neoplastic syndrome; Neoplastic Syndromes, Hereditary; Tumor predisposition; Hereditary Cancer Syndrome. Identifiers: Orphanet 140162, MedGen C0027672, MeSH D009386, MONDO:0015356.
Tuberous sclerosis 2 (TSC2). Identifiers: Orphanet 805, MedGen C1860707, MONDO:0013199, OMIM 613254.

Submissions (3):

Labcorp Genetics (formerly Invitae), Labcorp
Classification: Likely benign for Tuberous sclerosis 2. Last evaluated: 2025-09-08. Review status: criteria provided, single submitter. Criteria: Invitae Variant Classification Sherloc (09022015). Collection method: clinical testing. Allele origin: germline.

Myriad Genetics, Inc.
Classification: Benign for Tuberous sclerosis 2. Last evaluated: 2025-06-04. Review status: criteria provided, single submitter. Criteria: Myriad Autosomal Dominant, Autosomal Recessive and X-Linked Classification Criteria (2023). Collection method: clinical testing. Allele origin: unknown.
Comment: This variant is considered benign. This variant is a silent/synonymous amino acid change and it is not expected to impact splicing.

Ambry Genetics
Classification: Likely benign for Hereditary cancer-predisposing syndrome. Last evaluated: 2020-03-26. Review status: criteria provided, single submitter. Criteria: Ambry Variant Classification Scheme 2023. Collection method: clinical testing. Allele origin: germline.